The following is an entry in ClinVar:

NM_015466.4(PTPN23):c.1738C>T (p.Leu580Phe)

Gene: PTPN23 (protein tyrosine phosphatase non-receptor type 23; plus strand). Cytogenetic location: 3p21.31.
Variant type: single nucleotide variant.
Coding change: c.1738C>T on transcript NM_015466.4 (MANE Select); coding-DNA position 1738, C replaced by T.
Protein change: p.Leu580Phe; replaces leucine 580 with phenylalanine.
Molecular consequence: missense variant.
Genome position (GRCh38, 1-based): chr3:47,409,258, C>T. VCF-style: chr3-47409258-C-T. GRCh37 (hg19) VCF-style: chr3-47450748-C-T.
Other names: c.1360C>T, p.Leu454Phe (NM_001304482.2); short protein forms L454F, L580F.
Identifiers: ClinVar variation 1519784 (VCV001519784.6), dbSNP rs746082375, ClinGen allele CA2365811.
Genomic context (GRCh38, chr3:47,409,258, plus strand): 5'-CTGGCTAAGGTGCAGGAGATGCGGGACCAGCGCGTGTCCCTGGAGCAGCAGCTGCGTGAG[C>T]TTATCCAGAAAGATGACATCACTGCCTCGCTGGTCACCACAGACCACTCAGAGATGAAGG-3'
Protein context (NP_056281.1, residues 570-590): RVSLEQQLRE[Leu580Phe]IQKDDITASL

ClinVar aggregate classification (germline): Uncertain significance. Review status: criteria provided, multiple submitters, no conflicts (2 of 4 stars). 3 submissions from 3 submitters: Uncertain significance (3). Last evaluated 2024-11-07.

Conditions:
Neurodevelopmental disorder and structural brain anomalies with or without seizures and spasticity. Identifiers: MedGen C5394423, MONDO:0030046, OMIM 618890.

Allele frequency attached by ClinVar (database versions not stated): TOPMed 0.00006; gnomAD 0.00009 and 0.00015; gnomAD exomes 0.00024 and 0.00030; ExAC 0.00029.
gnomAD v4.1: 362 of 1,614,162 alleles (0.022%); highest among the groups gnomAD compares: South Asian, 0.22%; 4 homozygotes.

Submissions (3):

Blueprint Genetics
Classification: Uncertain significance. Last evaluated: 2024-11-07. Review status: criteria provided, single submitter. Criteria: ACMG Guidelines, 2015. Collection method: clinical testing. Allele origin: germline.

Labcorp Genetics (formerly Invitae), Labcorp
Classification: Uncertain significance. Last evaluated: 2023-12-15. Review status: criteria provided, single submitter. Criteria: Invitae Variant Classification Sherloc (09022015). Collection method: clinical testing. Allele origin: germline.
Comment: This sequence change replaces leucine, which is neutral and non-polar, with phenylalanine, which is neutral and non-polar, at codon 580 of the PTPN23 protein (p.Leu580Phe). This variant is present in population databases (rs746082375, gnomAD 0.2%). This variant has not been reported in the literature in individuals affected with PTPN23-related conditions. ClinVar contains an entry for this variant (Variation ID: 1519784). Experimental studies and prediction algorithms are not available or were not evaluated, and the functional significance of this variant is currently unknown. In summary, the available evidence is currently insufficient to determine the role of this variant in disease. Therefore, it has been classified as a Variant of Uncertain Significance.

Department of Pathology and Laboratory Medicine, Sinai Health System
Classification: Uncertain significance for Neurodevelopmental disorder and structural brain anomalies with or without seizures and spasticity. Last evaluated: 2023-04-17. Review status: criteria provided, single submitter. Criteria: ACMG Guidelines, 2015. Collection method: research. Allele origin: germline.